The following is an entry in ClinVar:

ClinVar aggregate classification (germline): Uncertain significance. Review status: criteria provided, single submitter (1 of 4 stars). 2 submissions from 2 submitters: Uncertain significance (1). 1 of the submissions does not count toward it. Last evaluated 2021-08-26.

Conditions:
Combined malonic and methylmalonic acidemia. Identifiers: Orphanet 289504, MedGen C3280314, MONDO:0013661, OMIM 614265.

Allele frequency attached by ClinVar (database versions not stated): gnomAD exomes below 0.00001.
gnomAD v4.1: 2 of 1,611,630 alleles (0.00012%); highest among the groups gnomAD compares: East Asian, 0.0022%; no homozygotes.

Submissions (2):

Labcorp Genetics (formerly Invitae), Labcorp
Classification: Uncertain significance for Combined malonic and methylmalonic acidemia. Last evaluated: 2021-08-26. Review status: criteria provided, single submitter. Criteria: Invitae Variant Classification Sherloc (09022015). Collection method: clinical testing. Allele origin: germline.
Comment: This sequence change replaces leucine with proline at codon 374 of the ACSF3 protein (p.Leu374Pro). The leucine residue is weakly conserved and there is a moderate physicochemical difference between leucine and proline. This variant is not present in population databases (ExAC no frequency). This variant has not been reported in the literature in individuals affected with ACSF3-related conditions. Algorithms developed to predict the effect of missense changes on protein structure and function are either unavailable or do not agree on the potential impact of this missense change (SIFT: "Tolerated"; PolyPhen-2: "Possibly Damaging"; Align-GVGD: "Class C0"). In summary, the available evidence is currently insufficient to determine the role of this variant in disease. Therefore, it has been classified as a Variant of Uncertain Significance.

Natera, Inc.
Classification: Uncertain significance for Combined malonic and methylmalonic aciduria. Last evaluated: 2021-03-27. Review status: no assertion criteria provided. Collection method: clinical testing. Allele origin: germline. Not counted in ClinVar's aggregate classification.

NM_001243279.3(ACSF3):c.1121T>C (p.Leu374Pro)

Genes: ACSF3 (acyl-CoA synthetase family member 3; plus strand), LOC125177393 (P300/CBP strongly-dependent group 1 enhancer GRCh37_chr16:89180375-89181574; plus strand). Cytogenetic location: 16q24.3.
Variant type: single nucleotide variant.
Coding change: c.1121T>C on transcript NM_001243279.3 (MANE Select); coding-DNA position 1121, T replaced by C.
Protein change: p.Leu374Pro; replaces leucine 374 with proline.
Molecular consequence: missense variant. On other transcripts: non-coding transcript variant (2).
Genome position (GRCh38, 1-based): chr16:89,114,482, T>C. VCF-style: chr16-89114482-T-C. GRCh37 (hg19) VCF-style: chr16-89180890-T-C.
Other names: c.1121T>C, p.Leu374Pro (NM_001127214.4, NM_174917.5); c.326T>C, p.Leu109Pro (NM_001284316.2); short protein forms L109P, L374P.
Identifiers: ClinVar variation 949755 (VCV000949755.11), dbSNP rs1904713918, ClinGen allele CA397140576.